The following is an entry in ClinVar:

ClinVar aggregate classification (germline): Uncertain significance. Review status: criteria provided, multiple submitters, no conflicts (2 of 4 stars). 2 submissions from 2 submitters: Uncertain significance (2). Last evaluated 2025-01-06.

Conditions:
Charcot-Marie-Tooth disease axonal type 2C (HMSN2C). Also called: Charcot-Marie-Tooth Disease Type 2, TRPV4-Related (CMT2C); CHARCOT-MARIE-TOOTH DISEASE, AXONAL, AUTOSOMAL DOMINANT, TYPE 2C; Charcot-Marie-Tooth Neuropathy Type 2C. Identifiers: Orphanet 99937, MedGen C1853710, MONDO:0011633, OMIM 606071.

Allele frequency attached by ClinVar (database versions not stated): gnomAD 0.00001; TOPMed 0.00004.
gnomAD v4.1: 12 of 1,596,386 alleles (0.00075%); highest among the groups gnomAD compares: Admixed American, 0.0035%; no homozygotes.

Submissions (2):

Labcorp Genetics (formerly Invitae), Labcorp
Classification: Uncertain significance for Charcot-Marie-Tooth disease axonal type 2C. Last evaluated: 2025-01-06. Review status: criteria provided, single submitter. Criteria: Invitae Variant Classification Sherloc (09022015). Collection method: clinical testing. Allele origin: germline.
Comment: This sequence change replaces serine, which is neutral and polar, with arginine, which is basic and polar, at codon 23 of the TRPV4 protein (p.Ser23Arg). This variant is not present in population databases (gnomAD no frequency). This variant has not been reported in the literature in individuals affected with TRPV4-related conditions. ClinVar contains an entry for this variant (Variation ID: 855088). Invitae Evidence Modeling of protein sequence and biophysical properties (such as structural, functional, and spatial information, amino acid conservation, physicochemical variation, residue mobility, and thermodynamic stability) indicates that this missense variant is not expected to disrupt TRPV4 protein function with a negative predictive value of 95%. In summary, the available evidence is currently insufficient to determine the role of this variant in disease. Therefore, it has been classified as a Variant of Uncertain Significance.

GeneDx
Classification: Uncertain significance. Last evaluated: 2021-04-12. Review status: criteria provided, single submitter. Criteria: GeneDx Variant Classification Process June 2021. Collection method: clinical testing. Allele origin: germline. Affected: yes.
Comment: Not observed in large population cohorts (Lek et al., 2016); In silico analysis supports that this missense variant does not alter protein structure/function; Has not been previously published as pathogenic or benign to our knowledge

NM_021625.5(TRPV4):c.69T>G (p.Ser23Arg)

Gene: TRPV4 (transient receptor potential cation channel subfamily V member 4; minus strand). Cytogenetic location: 12q24.11.
Variant type: single nucleotide variant.
Coding change: c.69T>G on transcript NM_021625.5 (MANE Select); coding-DNA position 69, T replaced by G.
Protein change: p.Ser23Arg; replaces serine 23 with arginine.
Molecular consequence: missense variant.
Genome position (GRCh38, 1-based): chr12:109,814,728, A>C on the plus strand (T>G on the coding strand, the complement: TRPV4 is on the minus strand). VCF-style: chr12-109814728-A-C. GRCh37 (hg19) VCF-style: chr12-110252533-A-C.
Other names: c.69T>G, p.Ser23Arg (NM_001177433.2, NM_147204.3, NM_001177428.2 and 1 more transcripts); short protein forms S23R.
Identifiers: ClinVar variation 855088 (VCV000855088.12), dbSNP rs970940485, ClinGen allele CA243479069.
Genomic context (GRCh38, chr12:109,814,728, plus strand): 5'-CTCCCCCTCAAACAGATTGGCCAGGGAGGAGAGAGGAAAAGCCTCCCCACCTGGGGTGCC[A>C]CTCTCATCCCCGGGGAGCTCAGCCACCTCCCCGGGCCCCGCGCGGGGGCCTTCGCTGGAA-3'
Protein context (NP_067638.3, residues 13-33): GEVAELPGDE[Ser23Arg]GTPGGEAFPL